The following is an entry in ClinVar:

ClinVar aggregate classification (germline): Uncertain significance (1 of 4 stars; one submission).

Conditions:
Hereditary nonpolyposis colorectal neoplasms. Identifiers: MedGen C0009405, MeSH D003123.

Submission:

Labcorp Genetics (formerly Invitae), Labcorp
Classification: Uncertain significance for Hereditary nonpolyposis colorectal neoplasms. Last evaluated: 2025-09-10. Review status: criteria provided, single submitter. Criteria: Invitae Variant Classification Sherloc (09022015). Collection method: clinical testing. Allele origin: germline.
Comment: This sequence change replaces valine, which is neutral and non-polar, with alanine, which is neutral and non-polar, at codon 1173 of the MSH6 protein (p.Val1173Ala). This variant is not present in population databases (gnomAD no frequency). This variant has not been reported in the literature in individuals affected with MSH6-related conditions. Invitae Evidence Modeling of protein sequence and biophysical properties (such as structural, functional, and spatial information, amino acid conservation, physicochemical variation, residue mobility, and thermodynamic stability) has been performed for this missense variant. However, the output from this modeling did not meet the statistical confidence thresholds required to predict the impact of this variant on MSH6 protein function. In summary, the available evidence is currently insufficient to determine the role of this variant in disease. Therefore, it has been classified as a Variant of Uncertain Significance.

NM_000179.3(MSH6):c.3518T>C (p.Val1173Ala)

Gene: MSH6 (mutS homolog 6; plus strand). Cytogenetic location: 2p16.3.
Variant type: single nucleotide variant.
Coding change: c.3518T>C on transcript NM_000179.3 (MANE Select); coding-DNA position 3518, T replaced by C.
Protein change: p.Val1173Ala; replaces valine 1173 with alanine.
Molecular consequence: missense variant. On other transcripts: non-coding transcript variant (4).
Genome position (GRCh38, 1-based): chr2:47,804,989, T>C. VCF-style: chr2-47804989-T-C. GRCh37 (hg19) VCF-style: chr2-48032128-T-C.
Other names: c.3128T>C, p.Val1043Ala (NM_001281492.2); c.2612T>C, p.Val871Ala (NM_001281493.2, NM_001281494.2, NM_001406811.1 and 6 more transcripts); c.3614T>C, p.Val1205Ala (NM_001406795.1, NM_001406802.1); c.3518T>C, p.Val1173Ala (NM_001406796.1, NM_001406800.1, NM_001406808.1 and 1 more transcripts); c.3221T>C, p.Val1074Ala (NM_001406797.1, NM_001406801.1, NM_001406805.1 and 10 more transcripts); c.3344T>C, p.Val1115Ala (NM_001406798.1); c.2993T>C, p.Val998Ala (NM_001406799.1, NM_001406806.1, NM_001406807.1); c.2654T>C, p.Val885Ala (NM_001406803.1); and 7 more; short protein forms V100A, V1043A, V1074A, V1115A, V1117A, V1147A, V1173A, V1175A.
Identifiers: ClinVar variation 4806157 (VCV004806157.1).
Genomic context (GRCh38, chr2:47,804,989, plus strand): 5'-TGGCCCAGATGGGTTGTTACGTCCCTGCTGAAGTGTGCAGGCTCACACCAATTGATAGAG[T>C]GTTTACTAGACTTGGTGCCTCAGACAGAATAATGTCAGGTGAGTTTTTTGTTTCCCACTT-3'
Protein context (NP_000170.1, residues 1163-1183): EVCRLTPIDR[Val1173Ala]FTRLGASDRI